The following is an entry in ClinVar:

NM_015466.4(PTPN23):c.1788A>G (p.Ser596=)

Gene: PTPN23 (protein tyrosine phosphatase non-receptor type 23; plus strand). Cytogenetic location: 3p21.31.
Variant type: single nucleotide variant.
Coding change: c.1788A>G on transcript NM_015466.4 (MANE Select); coding-DNA position 1788, A replaced by G.
Protein change: p.Ser596=; no amino-acid change (serine 596 retained).
Molecular consequence: synonymous variant.
Genome position (GRCh38, 1-based): chr3:47,409,308, A>G. VCF-style: chr3-47409308-A-G. GRCh37 (hg19) VCF-style: chr3-47450798-A-G.
Other names: c.1410A>G, p.Ser470= (NM_001304482.2).
Identifiers: ClinVar variation 1564520 (VCV001564520.37), dbSNP rs2107720073, ClinGen allele CA433604580.
Genomic context (GRCh38, chr3:47,409,308, plus strand): 5'-GCTGCGTGAGCTTATCCAGAAAGATGACATCACTGCCTCGCTGGTCACCACAGACCACTC[A>G]GAGATGAAGGTGGGCTGGGTGAGCAGGGTAGAGGGGCTCTGGCTCCGGGCCCCACCCTTA-3'
Protein context (NP_056281.1, residues 586-606): ITASLVTTDH[Ser596=]EMKKLFEEQL

ClinVar aggregate classification (germline): Likely benign. Review status: criteria provided, multiple submitters, no conflicts (2 of 4 stars). 2 submissions from 2 submitters: Likely benign (2). Last evaluated 2024-06-04.

Submissions (2):

Labcorp Genetics (formerly Invitae), Labcorp
Classification: Likely benign. Last evaluated: 2024-06-04. Review status: criteria provided, single submitter. Criteria: Invitae Variant Classification Sherloc (09022015). Collection method: clinical testing. Allele origin: germline.

CeGaT Center for Human Genetics Tuebingen
Classification: Likely benign. Last evaluated: 2022-07-01. Review status: criteria provided, single submitter. Criteria: CeGaT Center For Human Genetics Tuebingen Variant Classification Criteria Version 2. Collection method: clinical testing. Allele origin: germline. Affected: yes. Observed: 1 variant allele.
Comment: PTPN23: PM2:Supporting, BP4, BP7